The following is an entry in ClinVar:

ClinVar aggregate classification (germline): Conflicting classifications of pathogenicity. Review status: criteria provided, conflicting classifications (1 of 4 stars). 2 submissions from 2 submitters: Uncertain significance (1); Likely benign (1). Last evaluated 2025-10-13.

Conditions:
Left ventricular noncompaction 8 (LVNC8). Identifiers: Orphanet 154, Orphanet 54260, MedGen C3809288, MONDO:0014152, OMIM 615373.

gnomAD v4.1: 17 of 1,570,376 alleles (0.0011%); highest among the groups gnomAD compares: African/African-American, 0.0027%; no homozygotes.

Submissions (2):

Labcorp Genetics (formerly Invitae), Labcorp
Classification: Uncertain significance for Left ventricular noncompaction 8. Last evaluated: 2025-10-13. Review status: criteria provided, single submitter. Criteria: Invitae Variant Classification Sherloc (09022015). Collection method: clinical testing. Allele origin: germline.
Comment: This sequence change replaces glycine, which is neutral and non-polar, with serine, which is neutral and polar, at codon 223 of the PRDM16 protein (p.Gly223Ser). The frequency data for this variant in the population databases is considered unreliable, as metrics indicate poor data quality at this position in the gnomAD database. This variant has not been reported in the literature in individuals affected with PRDM16-related conditions. An algorithm developed to predict the effect of missense changes on protein structure and function outputs the following: PolyPhen-2: "Benign". The serine amino acid residue is found in multiple mammalian species, which suggests that this missense change does not adversely affect protein function. In summary, the available evidence is currently insufficient to determine the role of this variant in disease. Therefore, it has been classified as a Variant of Uncertain Significance.

Blueprint Genetics
Classification: Likely benign. Last evaluated: 2022-03-14. Review status: criteria provided, single submitter. Criteria: ACMG Guidelines, 2015. Collection method: clinical testing. Allele origin: germline.

NM_022114.4(PRDM16):c.667G>A (p.Gly223Ser)

Gene: PRDM16 (PR/SET domain 16; plus strand). Cytogenetic location: 1p36.32.
Variant type: single nucleotide variant.
Coding change: c.667G>A on transcript NM_022114.4 (MANE Select); coding-DNA position 667, G replaced by A.
Protein change: p.Gly223Ser; replaces glycine 223 with serine.
Molecular consequence: missense variant.
Genome position (GRCh38, 1-based): chr1:3,396,584, G>A. VCF-style: chr1-3396584-G-A. GRCh37 (hg19) VCF-style: chr1-3313148-G-A.
Other names: c.667G>A, p.Gly223Ser (NM_199454.3); short protein forms G223S.
Identifiers: ClinVar variation 4740745 (VCV004740745.2).